The following is an entry in ClinVar:

ClinVar aggregate classification (germline): Uncertain significance. Review status: criteria provided, multiple submitters, no conflicts (2 of 4 stars). 3 submissions from 3 submitters: Uncertain significance (2). 1 of the submissions does not count toward it. Last evaluated 2025-12-15.

Conditions:
SLIT2-related disorder. Also called: SLIT2-related condition.

Allele frequency attached by ClinVar (database versions not stated): ESP Exome Variant Server 0.00062; TOPMed 0.00070; gnomAD exomes 0.00075 and 0.00111; gnomAD 0.00081 and 0.00082; ExAC 0.00082; 1000 Genomes Project 0.00120; 1000 Genomes Project 30x 0.00141.
gnomAD v4.1: 1,717 of 1,611,674 alleles (0.11%); highest among the groups gnomAD compares: Non-Finnish European, 0.13%; 1 homozygote.

Submissions (3):

Labcorp Genetics (formerly Invitae), Labcorp
Classification: Uncertain significance. Last evaluated: 2025-12-15. Review status: criteria provided, single submitter. Criteria: Invitae Variant Classification Sherloc (09022015). Collection method: clinical testing. Allele origin: germline.
Comment: This sequence change replaces isoleucine, which is neutral and non-polar, with valine, which is neutral and non-polar, at codon 312 of the SLIT2 protein (p.Ile312Val). This variant is present in population databases (rs139850475, gnomAD 0.1%), and has an allele count higher than expected for a pathogenic variant. This variant has not been reported in the literature in individuals affected with SLIT2-related conditions. ClinVar contains an entry for this variant (Variation ID: 1469174). An algorithm developed to predict the effect of missense changes on protein structure and function (PolyPhen-2) suggests that this variant is likely to be tolerated. In summary, the available evidence is currently insufficient to determine the role of this variant in disease. Therefore, it has been classified as a Variant of Uncertain Significance.

GeneDx
Classification: Uncertain significance. Last evaluated: 2025-05-12. Review status: criteria provided, single submitter. Criteria: GeneDx Variant Classification Process June 2021. Collection method: clinical testing. Allele origin: germline. Affected: yes.
Comment: Identified in an euploid miscarried fetus, however multiple variants in other genes were also identified (PMID: 35132093); In silico analysis suggests that this missense variant does not alter protein structure/function; This variant is associated with the following publications: (PMID: 35132093)

PreventionGenetics, part of Exact Sciences
Classification: Likely benign for SLIT2-related condition. Last evaluated: 2020-08-04. Review status: no assertion criteria provided. Collection method: clinical testing. Allele origin: germline. Not counted in ClinVar's aggregate classification.
Comment: This variant is classified as likely benign based on ACMG/AMP sequence variant interpretation guidelines (Richards et al. 2015 PMID: 25741868, with internal and published modifications).

NM_004787.4(SLIT2):c.934A>G (p.Ile312Val)

Gene: SLIT2 (slit guidance ligand 2; plus strand). Cytogenetic location: 4p15.31.
Variant type: single nucleotide variant.
Coding change: c.934A>G on transcript NM_004787.4 (MANE Select); coding-DNA position 934, A replaced by G.
Protein change: p.Ile312Val; replaces isoleucine 312 with valine.
Molecular consequence: missense variant.
Genome position (GRCh38, 1-based): chr4:20,510,514, A>G. VCF-style: chr4-20510514-A-G. GRCh37 (hg19) VCF-style: chr4-20512137-A-G.
Other names: c.934A>G (NM_004787.3, NM_004787.2); c.946A>G, p.Ile316Val (NM_001289135.3); c.934A>G, p.Ile312Val (NM_001289136.3); short protein forms I312V, I316V.
Identifiers: ClinVar variation 1469174 (VCV001469174.9), dbSNP rs139850475, ClinGen allele CA2871277.